The following is an entry in ClinVar:

NM_000222.3(KIT):c.86T>A (p.Val29Glu)

Gene: KIT (KIT proto-oncogene, receptor tyrosine kinase; plus strand). Cytogenetic location: 4q12.
Variant type: single nucleotide variant.
Coding change: c.86T>A on transcript NM_000222.3 (MANE Select); coding-DNA position 86, T replaced by A.
Protein change: p.Val29Glu; replaces valine 29 with glutamic acid.
Molecular consequence: missense variant.
Genome position (GRCh38, 1-based): chr4:54,695,530, T>A. VCF-style: chr4-54695530-T-A. GRCh37 (hg19) VCF-style: chr4-55561696-T-A.
Other names: c.86T>A, p.Val29Glu (NM_001093772.2, NM_001385284.1, NM_001385285.1 and 4 more transcripts); short protein forms V29E.
Identifiers: ClinVar variation 220935 (VCV000220935.15), dbSNP rs864622699, ClinGen allele CA348866.

ClinVar aggregate classification (germline): Conflicting classifications of pathogenicity. Review status: criteria provided, conflicting classifications (1 of 4 stars). 5 submissions from 5 submitters: Uncertain significance (4); Likely benign (1). Last evaluated 2026-10-01.

Conditions:
Gastrointestinal stromal tumor. Also called: Gastrointestinal stroma tumor; Gastrointestinal stromal tumor, somatic. Identifiers: Orphanet 44890, MedGen C0238198, MeSH D046152, MONDO:0011719, OMIM 606764, HP:0100723.
Hereditary cancer-predisposing syndrome. Also called: Neoplastic Syndromes, Hereditary; Tumor predisposition; Hereditary Cancer Syndrome; Hereditary neoplastic syndrome. Identifiers: Orphanet 140162, MedGen C0027672, MeSH D009386, MONDO:0015356.

Allele frequency attached by ClinVar (database versions not stated): gnomAD exomes 0.00001; TOPMed 0.00001.
gnomAD v4.1: 16 of 1,614,204 alleles (0.00099%); highest among the groups gnomAD compares: Non-Finnish European, 0.0014%; no homozygotes.

Submissions (5):

St. Jude Molecular Pathology, St. Jude Children's Research Hospital
Classification: Uncertain significance for Gastrointestinal stromal tumor. Last evaluated: 2026-10-01. Review status: criteria provided, single submitter. Criteria: St. Jude Assertion Criteria 2020. Collection method: clinical testing. Allele origin: germline.
Comment: The KIT c.86T>A p.(Val29Glu) missense change has a maximum subpopulation frequency of 0.002% in gnomAD v2.1.1. The in silico tool REVEL is inconclusive about a pathogenic or benign effect of this variant on protein function, and to our knowledge functional studies have not been performed. To our knowledge, this variant has not been reported in individua ls with KIT-related gastrointestinal stromal tumor. In summary, the evidence currently available is insufficient to determine the clinical significance of this variant. It has therefore been classified as of uncertain significance.

Myriad Genetics, Inc.
Classification: Likely benign for Gastrointestinal stromal tumor. Last evaluated: 2026-05-26. Review status: criteria provided, single submitter. Criteria: Myriad Autosomal Dominant, Autosomal Recessive and X-Linked Classification Criteria (2023). Collection method: clinical testing. Allele origin: unknown.
Comment: This variant is considered likely benign. This variant has been observed at a population frequency that is significantly greater than expected given the associated disease prevalence and penetrance.

Labcorp Genetics (formerly Invitae), Labcorp
Classification: Uncertain significance for Gastrointestinal stromal tumor. Last evaluated: 2024-10-06. Review status: criteria provided, single submitter. Criteria: Invitae Variant Classification Sherloc (09022015). Collection method: clinical testing. Allele origin: germline.
Comment: This sequence change replaces valine, which is neutral and non-polar, with glutamic acid, which is acidic and polar, at codon 29 of the KIT protein (p.Val29Glu). This variant is present in population databases (no rsID available, gnomAD 0.002%). This variant has not been reported in the literature in individuals affected with KIT-related conditions. ClinVar contains an entry for this variant (Variation ID: 220935). An algorithm developed to predict the effect of missense changes on protein structure and function (PolyPhen-2) suggests that this variant¬†is likely to be tolerated. In summary, the available evidence is currently insufficient to determine the role of this variant in disease. Therefore, it has been classified as a Variant of Uncertain Significance.

Ambry Genetics
Classification: Uncertain significance for Hereditary cancer-predisposing syndrome. Last evaluated: 2024-09-09. Review status: criteria provided, single submitter. Criteria: Ambry Variant Classification Scheme 2023. Collection method: clinical testing. Allele origin: germline.
Comment: The p.V29E variant (also known as c.86T>A), located in coding exon 2 of the KIT gene, results from a T to A substitution at nucleotide position 86. The valine at codon 29 is replaced by glutamic acid, an amino acid with dissimilar properties. This amino acid position is not well conserved in available vertebrate species. In addition, this alteration is predicted to be tolerated by in silico analysis. Since supporting evidence is limited at this time, the clinical significance of this alteration remains unclear.

GeneDx
Classification: Uncertain significance. Last evaluated: 2024-03-05. Review status: criteria provided, single submitter. Criteria: GeneDx Variant Classification Process June 2021. Collection method: clinical testing. Allele origin: germline. Affected: yes.
Comment: Not observed at significant frequency in large population cohorts (gnomAD); In silico analysis supports that this missense variant does not alter protein structure/function; Has not been previously published as pathogenic or benign to our knowledge